The following is an entry in ClinVar:

ClinVar aggregate classification (germline): Uncertain significance (1 of 4 stars; one submission).

Conditions:
Congenital myasthenic syndrome 2A. Also called: Myasthenic syndrome, congenital, 2a, slow-channel. Identifiers: Orphanet 590, MedGen C4225374, MONDO:0014581, OMIM 616313.

Submission:

Labcorp Genetics (formerly Invitae), Labcorp
Classification: Uncertain significance for Congenital myasthenic syndrome 2A. Last evaluated: 2025-11-01. Review status: criteria provided, single submitter. Criteria: Invitae Variant Classification Sherloc (09022015). Collection method: clinical testing. Allele origin: germline.
Comment: This sequence change replaces proline, which is neutral and non-polar, with leucine, which is neutral and non-polar, at codon 245 of the CHRNB1 protein (p.Pro245Leu). This variant is not present in population databases (gnomAD no frequency). This variant has not been reported in the literature in individuals affected with CHRNB1-related conditions. Invitae Evidence Modeling of protein sequence and biophysical properties (such as structural, functional, and spatial information, amino acid conservation, physicochemical variation, residue mobility, and thermodynamic stability) indicates that this missense variant is expected to disrupt CHRNB1 protein function with a positive predictive value of 80%. In summary, the available evidence is currently insufficient to determine the role of this variant in disease. Therefore, it has been classified as a Variant of Uncertain Significance.

NM_000747.3(CHRNB1):c.734C>T (p.Pro245Leu)

Gene: CHRNB1 (cholinergic receptor nicotinic beta 1 subunit; plus strand). Cytogenetic location: 17p13.1.
Variant type: single nucleotide variant.
Coding change: c.734C>T on transcript NM_000747.3 (MANE Select); coding-DNA position 734, C replaced by T.
Protein change: p.Pro245Leu; replaces proline 245 with leucine.
Molecular consequence: missense variant.
Genome position (GRCh38, 1-based): chr17:7,448,702, C>T. VCF-style: chr17-7448702-C-T. GRCh37 (hg19) VCF-style: chr17-7352021-C-T.
Other names: short protein forms P245L.
Identifiers: ClinVar variation 4706579 (VCV004706579.1).
Genomic context (GRCh38, chr17:7,448,702, plus strand): 5'-GGGGAGGGAGGGAAGGACAGCGCCAGGAAGTCATCTTCTACCTCATCATCCGCCGCAAGC[C>T]TCTCTTCTACCTGGTCAACGTCATTGCCCCATGCATCCTCATCACTCTTCTGGCCATCTT-3'
Protein context (NP_000738.2, residues 235-255): VIFYLIIRRK[Pro245Leu]LFYLVNVIAP